The following is an entry in ClinVar:

ClinVar aggregate classification (germline): Uncertain significance (1 of 4 stars; one submission).

Submission:

GeneDx
Classification: Uncertain significance. Last evaluated: 2022-11-10. Review status: criteria provided, single submitter. Criteria: GeneDx Variant Classification Process June 2021. Collection method: clinical testing. Allele origin: germline. Affected: yes.
Comment: Not observed at significant frequency in large population cohorts (gnomAD); In silico analysis supports that this missense variant has a deleterious effect on protein structure/function; Has not been previously published as pathogenic or benign to our knowledge

NM_001287491.2(TET3):c.2652C>A (p.Ser884Arg)

Gene: TET3 (tet methylcytosine dioxygenase 3; plus strand). Cytogenetic location: 2p13.1.
Variant type: single nucleotide variant.
Coding change: c.2652C>A on transcript NM_001287491.2 (MANE Select); coding-DNA position 2652, C replaced by A.
Protein change: p.Ser884Arg; replaces serine 884 with arginine.
Molecular consequence: missense variant.
Genome position (GRCh38, 1-based): chr2:74,080,564, C>A. VCF-style: chr2-74080564-C-A. GRCh37 (hg19) VCF-style: chr2-74307691-C-A.
Other names: c.2373C>A, p.Ser791Arg (NM_001366022.1); c.2247C>A, p.Ser749Arg (NM_144993.1); short protein forms S749R, S791R, S884R.
Identifiers: ClinVar variation 2502028 (VCV002502028.1), dbSNP rs755214253, ClinGen allele CA347309186.
Genomic context (GRCh38, chr2:74,080,564, plus strand): 5'-AGAGAAGGGGAAAGCCATCCGGATCGAGAAGGTCATCTACACGGGGAAGGAGGGAAAGAG[C>A]TCCCGCGGTTGCCCCATTGCAAAGTGGGTGAGTGTTGAGCCCACTCAAGAGCCACAGCTG-3'
Protein context (NP_001274420.1, residues 874-894): KVIYTGKEGK[Ser884Arg]SRGCPIAKWV